The following is an entry in ClinVar:

NM_001035.3(RYR2):c.5117T>G (p.Leu1706Arg)

Gene: RYR2 (ryanodine receptor 2; plus strand). Cytogenetic location: 1q43.
Variant type: single nucleotide variant.
Coding change: c.5117T>G on transcript NM_001035.3 (MANE Select); coding-DNA position 5117, T replaced by G.
Protein change: p.Leu1706Arg; replaces leucine 1706 with arginine.
Molecular consequence: missense variant.
Genome position (GRCh38, 1-based): chr1:237,614,245, T>G. VCF-style: chr1-237614245-T-G. GRCh37 (hg19) VCF-style: chr1-237777545-T-G.
Other names: short protein forms L1706R.
Identifiers: ClinVar variation 2774305 (VCV002774305.2), dbSNP rs2546791797, ClinGen allele CA345404054.

ClinVar aggregate classification (germline): Uncertain significance (1 of 4 stars; one submission).

Conditions:
Cardiomyopathy (CMYO). Also called: Cardiomyopathies. Identifiers: Orphanet 167848, MedGen C0878544, MONDO:0004994, HP:0001638. Inheritance: Various modes of inheritance.

Submission:

Color Diagnostics, LLC DBA Color Health
Classification: Uncertain significance for Cardiomyopathy. Last evaluated: 2023-01-23. Review status: criteria provided, single submitter. Criteria: ACMG Guidelines, 2015. Collection method: clinical testing. Allele origin: germline.
Comment: This missense variant replaces leucine with arginine at codon 1706 of the RYR2 protein. Computational prediction suggests that this variant may have deleterious impact on protein structure and function (internally defined REVEL score threshold >= 0.7, PMID: 27666373). To our knowledge, functional studies have not been reported for this variant. This variant has not been reported in individuals affected with RYR2-related disorders in the literature. This variant has not been identified in the general population by the Genome Aggregation Database (gnomAD). The available evidence is insufficient to determine the role of this variant in disease conclusively. Therefore, this variant is classified as a Variant of Uncertain Significance.